The following is an entry in ClinVar:

NM_133642.5(LARGE1):c.1385A>G (p.His462Arg)

Gene: LARGE1 (LARGE xylosyl- and glucuronyltransferase 1; minus strand). Cytogenetic location: 22q12.3.
Variant type: single nucleotide variant.
Coding change: c.1385A>G on transcript NM_133642.5 (MANE Select); coding-DNA position 1385, A replaced by G.
Protein change: p.His462Arg; replaces histidine 462 with arginine.
Molecular consequence: missense variant.
Genome position (GRCh38, 1-based): chr22:33,316,151, T>C on the plus strand (A>G on the coding strand, the complement: LARGE1 is on the minus strand). VCF-style: chr22-33316151-T-C. GRCh37 (hg19) VCF-style: chr22-33712137-T-C.
Other names: c.1385A>G, p.His462Arg (NM_001362949.2, NM_001362951.2, NM_001362953.2 and 6 more transcripts); c.1229A>G, p.His410Arg (NM_001378629.1); c.782A>G, p.His261Arg (NM_001378630.1); c.626A>G, p.His209Arg (NM_001378631.1); short protein forms H410R, H261R, H462R, H209R.
Identifiers: ClinVar variation 1384643 (VCV001384643.6), dbSNP rs775726150, ClinGen allele CA10202764.

ClinVar aggregate classification (germline): Uncertain significance (1 of 4 stars; one submission).

Conditions:
Muscular dystrophy-dystroglycanopathy type B6 (MDDGB6). Also called: MUSCULAR DYSTROPHY-DYSTROGLYCANOPATHY (CONGENITAL WITH IMPAIRED INTELLECTUAL DEVELOPMENT), TYPE B, 6; MUSCULAR DYSTROPHY, CONGENITAL, LARGE-RELATED; MUSCULAR DYSTROPHY, CONGENITAL, TYPE 1D. Identifiers: MedGen C1837229, MONDO:0012138, OMIM 608840.

Allele frequency attached by ClinVar (database versions not stated): gnomAD exomes below 0.00001; ExAC 0.00001.
gnomAD v4.1: 4 of 1,614,162 alleles (0.00025%); highest among the groups gnomAD compares: Non-Finnish European, 0.00034%; no homozygotes.

Submission:

Labcorp Genetics (formerly Invitae), Labcorp
Classification: Uncertain significance for Muscular dystrophy-dystroglycanopathy type B6. Last evaluated: 2021-10-05. Review status: criteria provided, single submitter. Criteria: Invitae Variant Classification Sherloc (09022015). Collection method: clinical testing. Allele origin: germline.
Comment: This sequence change replaces histidine with arginine at codon 462 of the LARGE1 protein (p.His462Arg). The histidine residue is highly conserved and there is a small physicochemical difference between histidine and arginine. This variant is present in population databases (rs775726150, ExAC 0.002%). In summary, the available evidence is currently insufficient to determine the role of this variant in disease. Therefore, it has been classified as a Variant of Uncertain Significance. Algorithms developed to predict the effect of missense changes on protein structure and function (SIFT, PolyPhen-2, Align-GVGD) all suggest that this variant is likely to be tolerated. This variant has not been reported in the literature in individuals affected with LARGE1-related conditions.